The following is an entry in ClinVar:

ClinVar aggregate classification (germline): Likely benign. Review status: criteria provided, multiple submitters, no conflicts (2 of 4 stars). 3 submissions from 3 submitters: Likely benign (3). Last evaluated 2026-07-05.

Conditions:
IMPG1-related disorder. Also called: IMPG1-related condition.

Allele frequency attached by ClinVar (database versions not stated): gnomAD exomes 0.00001 and 0.00004; ExAC 0.00002; TOPMed 0.00022.
gnomAD v4.1: 37 of 1,613,662 alleles (0.0023%); highest among the groups gnomAD compares: Admixed American, 0.038%; no homozygotes.

Submissions (3):

PreventionGenetics, part of Exact Sciences
Classification: Likely benign for IMPG1-related condition. Last evaluated: 2026-07-05. Review status: criteria provided, single submitter. Criteria: ACMG Guidelines, 2015. Collection method: clinical testing. Allele origin: germline.
Comment: This variant is classified as likely benign based on ACMG/AMP sequence variant interpretation guidelines (Richards et al. 2015 PMID: 25741868, with internal and published modifications).

Labcorp Genetics (formerly Invitae), Labcorp
Classification: Likely benign. Last evaluated: 2026-01-01. Review status: criteria provided, single submitter. Criteria: Invitae Variant Classification Sherloc (09022015). Collection method: clinical testing. Allele origin: germline.

Blueprint Genetics
Classification: Likely benign. Last evaluated: 2023-02-28. Review status: criteria provided, single submitter. Criteria: ACMG Guidelines, 2015. Collection method: clinical testing. Allele origin: germline.

NM_001563.4(IMPG1):c.1893G>C (p.Gly631=)

Gene: IMPG1 (interphotoreceptor matrix proteoglycan 1; minus strand). Cytogenetic location: 6q14.1.
Variant type: single nucleotide variant.
Coding change: c.1893G>C on transcript NM_001563.4 (MANE Select); coding-DNA position 1893, G replaced by C.
Protein change: p.Gly631=; no amino-acid change (glycine 631 retained).
Molecular consequence: synonymous variant.
Genome position (GRCh38, 1-based): chr6:75,947,465, C>G on the plus strand (G>C on the coding strand, the complement: IMPG1 is on the minus strand). VCF-style: chr6-75947465-C-G. GRCh37 (hg19) VCF-style: chr6-76657182-C-G.
Other names: c.1659G>C, p.Gly553= (NM_001282368.2); c.1893G>C (NM_001563.3).
Identifiers: ClinVar variation 1081531 (VCV001081531.11), dbSNP rs759162476, ClinGen allele CA3898011.